The following is an entry in ClinVar:

NM_080680.3(COL11A2):c.5188G>C (p.Gly1730Arg)

Gene: COL11A2 (collagen type XI alpha 2 chain; minus strand). Cytogenetic location: 6p21.32.
Variant type: single nucleotide variant.
Coding change: c.5188G>C on transcript NM_080680.3 (MANE Select); coding-DNA position 5188, G replaced by C.
Protein change: p.Gly1730Arg; replaces glycine 1730 with arginine.
Molecular consequence: missense variant.
Genome position (GRCh38, 1-based): chr6:33,163,701, C>G on the plus strand (G>C on the coding strand, the complement: COL11A2 is on the minus strand). VCF-style: chr6-33163701-C-G. GRCh37 (hg19) VCF-style: chr6-33131478-C-G.
Other names: c.5008G>C, p.Gly1670Arg (NM_001424108.1); c.4342G>C, p.Gly1448Arg (NM_001424109.1); c.4162G>C, p.Gly1388Arg (NM_001424110.1, NM_001424111.1); c.3142G>C, p.Gly1048Arg (NM_001424112.1); c.4867G>C, p.Gly1623Arg (NM_080679.3); c.4930G>C, p.Gly1644Arg (NM_080681.3); short protein forms G1048R, G1388R, G1448R, G1623R, G1644R, G1670R, G1730R.
Identifiers: ClinVar variation 3360081 (VCV003360081.1).
Genomic context (GRCh38, chr6:33,163,701, plus strand): 5'-CCTGGTTCCGAATGGACAGGATCAGACAGAGACGGTCCTATCCCATGAAGCAGACAGGCC[C>G]CAGCAGCACCCCTCCCCGCCTCGGTGGGGCTCCCAGGTCTGAGAAGGAGGCATCCAGCAC-3'
Protein context (NP_542411.2, residues 1720-1736): APPRRGGVLL[Gly1730Arg]PVCFMG

ClinVar aggregate classification (germline): Uncertain significance (1 of 4 stars; one submission).

gnomAD v4.1: 2 of 1,612,978 alleles (0.00012%); highest among the groups gnomAD compares: Non-Finnish European, 0.00017%; no homozygotes.

Submission:

GeneDx
Classification: Uncertain significance. Last evaluated: 2023-06-16. Review status: criteria provided, single submitter. Criteria: GeneDx Variant Classification Process June 2021. Collection method: clinical testing. Allele origin: germline. Affected: yes.
Comment: Has not been previously published as pathogenic or benign to our knowledge; Not observed at significant frequency in large population cohorts (gnomAD); In silico analysis supports that this missense variant has a deleterious effect on protein structure/function